The following is an entry in ClinVar:

ClinVar aggregate classification (germline): VUS-low (1 of 4 stars; one submission).

Conditions:
Coffin-Siris syndrome 6. Identifiers: MedGen C4540499, MONDO:0033492, OMIM 617808.

Submission:

Centro de Investigaciones en Bioquimica Clinica e Inmunologia, Consejo Nacional de Investigaciones Científicas y Técnicas
Classification: VUS-low for Coffin-Siris syndrome 6. Last evaluated: 2026-03-09. Review status: criteria provided, single submitter. Criteria: ACMG Guidelines, 2015. Collection method: research. Allele origin: germline. Inheritance: Autosomal dominant inheritance. Affected: yes. Observed: 1 variant allele.
Comment: The variant is absent from the gnomAD population database (PM2_Supporting). The gene has a low rate of benign missense variation and missense variants are a common mechanism of disease for this gene (PP2). However, the currently available evidence is insufficient to support a pathogenic or benign classification. Therefore, this variant is classified as a Variant of Uncertain Significance (VUS).

NM_152641.4(ARID2):c.1466T>C (p.Val489Ala)

Gene: ARID2 (AT-rich interaction domain 2; plus strand). Cytogenetic location: 12q12.
Variant type: single nucleotide variant.
Coding change: c.1466T>C on transcript NM_152641.4 (MANE Select); coding-DNA position 1466, T replaced by C.
Protein change: p.Val489Ala; replaces valine 489 with alanine.
Molecular consequence: missense variant.
Genome position (GRCh38, 1-based): chr12:45,839,464, T>C. VCF-style: chr12-45839464-T-C. GRCh37 (hg19) VCF-style: chr12-46233247-T-C.
Other names: c.1466T>C, p.Val489Ala (NM_001347839.2); short protein forms V489A.
Identifiers: ClinVar variation 4845319 (VCV004845319.1).